The following is an entry in ClinVar:

NM_015978.3(TNNI3K):c.1796A>G (p.Asp599Gly)

Genes: FPGT-TNNI3K (FPGT-TNNI3K readthrough; plus strand), TNNI3K (TNNI3 interacting kinase; plus strand). Cytogenetic location: 1p31.1.
Variant type: single nucleotide variant.
Coding change: c.1796A>G on transcript NM_015978.3 (MANE Select); coding-DNA position 1796, A replaced by G.
Protein change: p.Asp599Gly; replaces aspartic acid 599 with glycine.
Molecular consequence: missense variant.
Genome position (GRCh38, 1-based): chr1:74,436,103, A>G. VCF-style: chr1-74436103-A-G. GRCh37 (hg19) VCF-style: chr1-74901787-A-G.
Other names: c.2099A>G, p.Asp700Gly (NM_001112808.3, NM_001199327.2); short protein forms D700G, D599G.
Identifiers: ClinVar variation 1367426 (VCV001367426.8), dbSNP rs1666115136, ClinGen allele CA340788736.

ClinVar aggregate classification (germline): Uncertain significance (1 of 4 stars; one submission).

Submission:

Labcorp Genetics (formerly Invitae), Labcorp
Classification: Uncertain significance. Last evaluated: 2021-07-14. Review status: criteria provided, single submitter. Criteria: Invitae Variant Classification Sherloc (09022015). Collection method: clinical testing. Allele origin: germline.
Comment: Algorithms developed to predict the effect of missense changes on protein structure and function are either unavailable or do not agree on the potential impact of this missense change (SIFT: "Deleterious"; PolyPhen-2: "Benign"; Align-GVGD: "Class C65"). This sequence change replaces aspartic acid with glycine at codon 599 of the TNNI3K protein (p.Asp599Gly). The aspartic acid residue is highly conserved and there is a moderate physicochemical difference between aspartic acid and glycine. This variant is not present in population databases (ExAC no frequency). This variant has not been reported in the literature in individuals affected with TNNI3K-related conditions. Algorithms developed to predict the effect of sequence changes on RNA splicing suggest that this variant may create or strengthen a splice site. In summary, the available evidence is currently insufficient to determine the role of this variant in disease. Therefore, it has been classified as a Variant of Uncertain Significance.